The following is an entry in ClinVar:

NM_014855.3(AP5Z1):c.2081C>T (p.Pro694Leu)

Gene: AP5Z1 (adaptor related protein complex 5 subunit zeta 1; plus strand). Cytogenetic location: 7p22.1.
Variant type: single nucleotide variant.
Coding change: c.2081C>T on transcript NM_014855.3 (MANE Select); coding-DNA position 2081, C replaced by T.
Protein change: p.Pro694Leu; replaces proline 694 with leucine.
Molecular consequence: missense variant. On other transcripts: non-coding transcript variant (1).
Genome position (GRCh38, 1-based): chr7:4,790,815, C>T. VCF-style: chr7-4790815-C-T. GRCh37 (hg19) VCF-style: chr7-4830446-C-T.
Other names: c.2081C>T, p.Pro694Leu (LRG_1247t1); c.1613C>T, p.Pro538Leu (NM_001364858.1); short protein forms P694L, P538L.
Identifiers: ClinVar variation 578025 (VCV000578025.8), dbSNP rs1368922764, ClinGen allele CA366665019.

ClinVar aggregate classification (germline): Uncertain significance (1 of 4 stars; one submission).

Conditions:
Hereditary spastic paraplegia 48. Also called: Spastic paraplegia 48; SPASTIC PARAPLEGIA 48, AUTOSOMAL RECESSIVE. Identifiers: Orphanet 306511, MedGen C3150901, MONDO:0013342, OMIM 613647.

Allele frequency attached by ClinVar (database versions not stated): gnomAD exomes below 0.00001; gnomAD 0.00001.
gnomAD v4.1: 2 of 1,609,098 alleles (0.00012%); highest among the groups gnomAD compares: African/African-American, 0.0013%; no homozygotes.

Submission:

Labcorp Genetics (formerly Invitae), Labcorp
Classification: Uncertain significance for Hereditary spastic paraplegia 48. Last evaluated: 2018-03-13. Review status: criteria provided, single submitter. Criteria: Invitae Variant Classification Sherloc (09022015). Collection method: clinical testing. Allele origin: germline.
Comment: In summary, the available evidence is currently insufficient to determine the role of this variant in disease. Therefore, it has been classified as a Variant of Uncertain Significance. Algorithms developed to predict the effect of missense changes on protein structure and function do not agree on the potential impact of this missense change (SIFT: "Deleterious"; PolyPhen-2: "Benign"; Align-GVGD: "Class C0"). This variant has not been reported in the literature in individuals with AP5Z1-related disease. This variant is not present in population databases (ExAC no frequency). This sequence change replaces proline with leucine at codon 694 of the AP5Z1 protein (p.Pro694Leu). The proline residue is moderately conserved and there is a moderate physicochemical difference between proline and leucine.